The following is an entry in ClinVar:

NM_016592.5(GNAS):c.441G>A (p.Pro147=)

Genes: GNAS (GNAS complex locus; plus strand), GNAS-AS1 (GNAS antisense RNA 1; minus strand). Cytogenetic location: 20q13.32.
Variant type: single nucleotide variant.
Coding change: c.441G>A on transcript NM_016592.5 (MANE Plus Clinical); coding-DNA position 441, G replaced by A.
Protein change: p.Pro147=; no amino-acid change (proline 147 retained).
Molecular consequence: synonymous variant. On other transcripts: 5 prime UTR variant (1).
Genome position (GRCh38, 1-based): chr20:58,840,547, G>A. VCF-style: chr20-58840547-G-A. GRCh37 (hg19) VCF-style: chr20-57415602-G-A.
Other names: c.-297G>A (NM_001410912.1).
Identifiers: ClinVar variation 1328061 (VCV001328061.16), dbSNP rs77400319, ClinGen allele CA9926335.
Genomic context (GRCh38, chr20:58,840,547, plus strand): 5'-CGAGCCTGAGACCGCCCCCACCACTGAGCCCGAGACCGAGCCTGAAGACGATCGCGGCCC[G>A]GTGGTGCCCAAGCACTCCACCTTCGGCCAGTCCCTCACCCAGCGTCTGCACGCTCTCAAG-3'
Protein context (NP_057676.1, residues 137-157): PETEPEDDRG[Pro147=]VVPKHSTFGQ

ClinVar aggregate classification (germline): Benign/Likely benign. Review status: criteria provided, multiple submitters, no conflicts (2 of 4 stars). 5 submissions from 5 submitters: Benign (1); Likely benign (2). 2 of the submissions do not count toward it. Last evaluated 2025-11-01.

Allele frequency attached by ClinVar (database versions not stated): ExAC 0.00036; 1000 Genomes Project 30x 0.00078; 1000 Genomes Project 0.00080; gnomAD exomes 0.00036; ESP Exome Variant Server 0.00115; gnomAD 0.00137 and 0.00146; TOPMed 0.00166.
gnomAD v4.1: 432 of 1,613,256 alleles (0.027%); highest among the groups gnomAD compares: African/African-American, 0.51%; 1 homozygote.

Submissions (5):

CeGaT Center for Human Genetics Tuebingen
Classification: Likely benign. Last evaluated: 2025-11-01. Review status: criteria provided, single submitter. Criteria: CeGaT Center For Human Genetics Tuebingen Variant Classification Criteria Version 2. Collection method: clinical testing. Allele origin: germline. Affected: yes. Observed: 1 variant allele.
Comment: GNAS: BP4, BP7

Blueprint Genetics
Classification: Likely benign. Last evaluated: 2024-11-26. Review status: criteria provided, single submitter. Criteria: ACMG Guidelines, 2015. Collection method: clinical testing. Allele origin: germline.

Labcorp Genetics (formerly Invitae), Labcorp
Classification: Benign. Last evaluated: 2024-01-18. Review status: criteria provided, single submitter. Criteria: Invitae Variant Classification Sherloc (09022015). Collection method: clinical testing. Allele origin: germline.

Clinical Genetics DNA and cytogenetics Diagnostics Lab, Erasmus MC, Erasmus Medical Center
Classification: Likely benign. Review status: no assertion criteria provided. Collection method: clinical testing. Allele origin: germline. Affected: yes. Study: VKGL Data-share Consensus. Not counted in ClinVar's aggregate classification.

Clinical Genetics, Academic Medical Center
Classification: Benign. Review status: no assertion criteria provided. Collection method: clinical testing. Allele origin: germline. Affected: yes. Study: VKGL Data-share Consensus. Not counted in ClinVar's aggregate classification.